The following is an entry in ClinVar:

NM_000168.6(GLI3):c.45A>T (p.Lys15Asn)

Gene: GLI3 (GLI family zinc finger 3; minus strand). Cytogenetic location: 7p14.1.
Variant type: single nucleotide variant.
Coding change: c.45A>T on transcript NM_000168.6 (MANE Select); coding-DNA position 45, A replaced by T.
Protein change: p.Lys15Asn; replaces lysine 15 with asparagine.
Molecular consequence: missense variant.
Genome position (GRCh38, 1-based): chr7:42,223,209, T>A on the plus strand (A>T on the coding strand, the complement: GLI3 is on the minus strand). VCF-style: chr7-42223209-T-A. GRCh37 (hg19) VCF-style: chr7-42262808-T-A.
Other names: short protein forms K15N.
Identifiers: ClinVar variation 1185031 (VCV001185031.2), dbSNP rs1395531508, ClinGen allele CA367551246.

ClinVar aggregate classification (germline): Uncertain significance. Review status: criteria provided, multiple submitters, no conflicts (2 of 4 stars). 2 submissions from 2 submitters: Uncertain significance (2). Last evaluated 2025-07-29.

Conditions:
Greig cephalopolysyndactyly syndrome (GCPS). Also called: POLYSYNDACTYLY WITH PECULIAR SKULL SHAPE; GLI3-Related Greig Cephalopolysyndactyly Syndrome; Greig syndrome. Identifiers: Orphanet 380, MedGen C0265306, MONDO:0008287, OMIM 175700.
Pallister-Hall syndrome (PHS). Also called: GLI3-Related Pallister-Hall Syndrome; HYPOTHALAMIC HAMARTOBLASTOMA, HYPOPITUITARISM, IMPERFORATE ANUS, AND POSTAXIAL POLYDACTYLY. Identifiers: Orphanet 672, MedGen C0265220, MONDO:0007804, OMIM 146510.

Allele frequency attached by ClinVar (database versions not stated): gnomAD exomes below 0.00001.
gnomAD v4.1: 2 of 1,613,870 alleles (0.00012%); highest among the groups gnomAD compares: Non-Finnish European, 0.00017%; no homozygotes.

Submissions (2):

Labcorp Genetics (formerly Invitae), Labcorp
Classification: Uncertain significance for Pallister-Hall syndrome; Greig cephalopolysyndactyly syndrome. Last evaluated: 2025-07-29. Review status: criteria provided, single submitter. Criteria: Invitae Variant Classification Sherloc (09022015). Collection method: clinical testing. Allele origin: germline.
Comment: This sequence change replaces lysine, which is basic and polar, with asparagine, which is neutral and polar, at codon 15 of the GLI3 protein (p.Lys15Asn). This variant is not present in population databases (gnomAD no frequency). This variant has not been reported in the literature in individuals affected with GLI3-related conditions. ClinVar contains an entry for this variant (Variation ID: 1185031). Invitae Evidence Modeling of protein sequence and biophysical properties (such as structural, functional, and spatial information, amino acid conservation, physicochemical variation, residue mobility, and thermodynamic stability) indicates that this missense variant is not expected to disrupt GLI3 protein function with a negative predictive value of 95%. In summary, the available evidence is currently insufficient to determine the role of this variant in disease. Therefore, it has been classified as a Variant of Uncertain Significance.

Johns Hopkins Genomics, Johns Hopkins University
Classification: Uncertain significance for Greig cephalopolysyndactyly syndrome. Last evaluated: 2021-06-24. Review status: criteria provided, single submitter. Criteria: ACMG Guidelines, 2015. Collection method: clinical testing. Allele origin: germline.
Comment: GLI3 c.45A>T is absent from a large population dataset and has not been reported in ClinVar nor the literature, to our knowledge. Of three bioinformatics tools queried, two predict that the substitution would be damaging, while one predicts that it would be tolerated. The lysine residue at this position is highly evolutionarily conserved across the species assessed. We consider the clinical significance of GLI3 c.45A>T to be uncertain at this time.

Literature cited by the submitters: PubMed 12794692 (cited by Johns Hopkins Genomics, Johns Hopkins University); PubMed 24736735 (cited by Johns Hopkins Genomics, Johns Hopkins University).